The following is an entry in ClinVar:

NM_177438.3(DICER1):c.76C>G (p.Pro26Ala)

Gene: DICER1 (dicer 1, ribonuclease III; minus strand). Cytogenetic location: 14q32.13.
Variant type: single nucleotide variant.
Coding change: c.76C>G on transcript NM_177438.3 (MANE Select); coding-DNA position 76, C replaced by G.
Protein change: p.Pro26Ala; replaces proline 26 with alanine.
Molecular consequence: missense variant. On other transcripts: intron variant (1), non-coding transcript variant (6), 5 prime UTR variant (8).
Genome position (GRCh38, 1-based): chr14:95,133,383, G>C on the plus strand (C>G on the coding strand, the complement: DICER1 is on the minus strand). VCF-style: chr14-95133383-G-C. GRCh37 (hg19) VCF-style: chr14-95599720-G-C.
Other names: c.-130-706C>G (NM_001395687.1); c.-199C>G (NM_001395690.1, NM_001395696.1, NM_001395698.1 and 3 more transcripts); c.-383C>G (NM_001395691.1); c.76C>G, p.Pro26Ala (NM_001395692.1, NM_001395693.1, NM_001395694.1 and 14 more transcripts); c.-1493C>G (NM_001395697.1); short protein forms P26A.
Identifiers: ClinVar variation 3639383 (VCV003639383.2).

ClinVar aggregate classification (germline): Uncertain significance (1 of 4 stars; one submission).

Conditions:
DICER1-related tumor predisposition. Also called: DICER1-related pleuropulmonary blastoma cancer predisposition syndrome; DICER1 syndrome. Identifiers: Orphanet 284343, MedGen C3839822, MONDO:0100216.

gnomAD v4.1: 1 of 1,614,140 alleles (0.000062%); highest among the groups gnomAD compares: Non-Finnish European, 0.000085%; no homozygotes.

Submission:

Labcorp Genetics (formerly Invitae), Labcorp
Classification: Uncertain significance for DICER1-related tumor predisposition. Last evaluated: 2024-02-07. Review status: criteria provided, single submitter. Criteria: Invitae Variant Classification Sherloc (09022015). Collection method: clinical testing. Allele origin: germline.
Comment: This sequence change replaces proline, which is neutral and non-polar, with alanine, which is neutral and non-polar, at codon 26 of the DICER1 protein (p.Pro26Ala). This variant is not present in population databases (gnomAD no frequency). This variant has not been reported in the literature in individuals affected with DICER1-related conditions. An algorithm developed to predict the effect of missense changes on protein structure and function (PolyPhen-2) suggests that this variant is likely to be disruptive. In summary, the available evidence is currently insufficient to determine the role of this variant in disease. Therefore, it has been classified as a Variant of Uncertain Significance.